The following is an entry in ClinVar:

NM_001013838.3(CARMIL2):c.2963C>T (p.Ala988Val)

Gene: CARMIL2 (capping protein regulator and myosin 1 linker 2; plus strand). Cytogenetic location: 16q22.1.
Variant type: single nucleotide variant.
Coding change: c.2963C>T on transcript NM_001013838.3 (MANE Select); coding-DNA position 2963, C replaced by T.
Protein change: p.Ala988Val; replaces alanine 988 with valine.
Molecular consequence: missense variant.
Genome position (GRCh38, 1-based): chr16:67,653,097, C>T. VCF-style: chr16-67653097-C-T. GRCh37 (hg19) VCF-style: chr16-67687000-C-T.
Other names: c.2855C>T, p.Ala952Val (NM_001317026.3); short protein forms A988V, A952V.
Identifiers: ClinVar variation 1430857 (VCV001430857.6), dbSNP rs979715618, ClinGen allele CA283210314.

ClinVar aggregate classification (germline): Uncertain significance (1 of 4 stars; one submission).

gnomAD v4.1: 7 of 1,184,464 alleles (0.00059%); highest among the groups gnomAD compares: Admixed American, 0.015%; no homozygotes.

Submission:

Labcorp Genetics (formerly Invitae), Labcorp
Classification: Uncertain significance. Last evaluated: 2024-05-22. Review status: criteria provided, single submitter. Criteria: Invitae Variant Classification Sherloc (09022015). Collection method: clinical testing. Allele origin: germline.
Comment: This sequence change replaces alanine, which is neutral and non-polar, with valine, which is neutral and non-polar, at codon 988 of the CARMIL2 protein (p.Ala988Val). The frequency data for this variant in the population databases is considered unreliable, as metrics indicate insufficient coverage at this position in the gnomAD database. This variant has not been reported in the literature in individuals affected with CARMIL2-related conditions. ClinVar contains an entry for this variant (Variation ID: 1430857). Advanced modeling of protein sequence and biophysical properties (such as structural, functional, and spatial information, amino acid conservation, physicochemical variation, residue mobility, and thermodynamic stability) performed at Invitae indicates that this missense variant is not expected to disrupt CARMIL2 protein function with a negative predictive value of 80%. In summary, the available evidence is currently insufficient to determine the role of this variant in disease. Therefore, it has been classified as a Variant of Uncertain Significance.